The following is an entry in ClinVar:

ClinVar aggregate classification (germline): Likely benign. Review status: criteria provided, single submitter (1 of 4 stars). 2 submissions from 2 submitters: Likely benign (1). 1 of the submissions does not count toward it. Last evaluated 2026-01-02.

Conditions:
KMT2E-related disorder. Also called: KMT2E-related condition.

Allele frequency attached by ClinVar (database versions not stated): gnomAD 0.00003; TOPMed 0.00003.
gnomAD v4.1: 26 of 1,613,490 alleles (0.0016%); highest among the groups gnomAD compares: Non-Finnish European, 0.0019%; no homozygotes.

Submissions (2):

Labcorp Genetics (formerly Invitae), Labcorp
Classification: Likely benign. Last evaluated: 2026-01-02. Review status: criteria provided, single submitter. Criteria: Invitae Variant Classification Sherloc (09022015). Collection method: clinical testing. Allele origin: germline.

PreventionGenetics, part of Exact Sciences
Classification: Likely benign for KMT2E-related condition. Last evaluated: 2019-04-11. Review status: no assertion criteria provided. Collection method: clinical testing. Allele origin: germline. Not counted in ClinVar's aggregate classification.
Comment: This variant is classified as likely benign based on ACMG/AMP sequence variant interpretation guidelines (Richards et al. 2015 PMID: 25741868, with internal and published modifications).

NM_182931.3(KMT2E):c.2514C>G (p.Pro838=)

Gene: KMT2E (lysine methyltransferase 2E (inactive); plus strand). Cytogenetic location: 7q22.3.
Variant type: single nucleotide variant.
Coding change: c.2514C>G on transcript NM_182931.3 (MANE Select); coding-DNA position 2514, C replaced by G.
Protein change: p.Pro838=; no amino-acid change (proline 838 retained).
Molecular consequence: synonymous variant.
Genome position (GRCh38, 1-based): chr7:105,105,921, C>G. VCF-style: chr7-105105921-C-G. GRCh37 (hg19) VCF-style: chr7-104746368-C-G.
Other names: c.2514C>G, p.Pro838= (NM_001410908.1, NM_018682.4); c.2514C>G (NM_182931.2).
Identifiers: ClinVar variation 2143325 (VCV002143325.6), dbSNP rs1179601208, ClinGen allele CA457045555.